The following is an entry in ClinVar:

ClinVar aggregate classification (germline): Uncertain significance (1 of 4 stars; one submission).

Conditions:
Dyskeratosis congenita, autosomal dominant 6 (DKCA6). Identifiers: Orphanet 3322, MedGen C4225284, MONDO:0014690, OMIM 616553.

Submission:

Labcorp Genetics (formerly Invitae), Labcorp
Classification: Uncertain significance for Dyskeratosis congenita, autosomal dominant 6. Last evaluated: 2022-08-30. Review status: criteria provided, single submitter. Criteria: Invitae Variant Classification Sherloc (09022015). Collection method: clinical testing. Allele origin: germline.
Comment: In summary, the available evidence is currently insufficient to determine the role of this variant in disease. Therefore, it has been classified as a Variant of Uncertain Significance. Experimental studies and prediction algorithms are not available or were not evaluated, and the functional significance of this variant is currently unknown. This variant has not been reported in the literature in individuals affected with ACD-related conditions. This variant is not present in population databases (gnomAD no frequency). This sequence change creates a premature translational stop signal (p.Cys237*) in the ACD gene. It is expected to result in an absent or disrupted protein product. However, the current clinical and genetic evidence is not sufficient to establish whether loss-of-function variants in ACD cause disease.

NM_001082486.2(ACD):c.453C>A (p.Cys151Ter)

Gene: ACD (ACD shelterin complex subunit and telomerase recruitment factor; minus strand). Cytogenetic location: 16q22.1.
Variant type: single nucleotide variant.
Coding change: c.453C>A on transcript NM_001082486.2 (MANE Select); coding-DNA position 453, C replaced by A.
Protein change: p.Cys151Ter; replaces cysteine 151 with a stop codon.
Molecular consequence: nonsense.
Genome position (GRCh38, 1-based): chr16:67,659,380, G>T on the plus strand (C>A on the coding strand, the complement: ACD is on the minus strand). VCF-style: chr16-67659380-G-T. GRCh37 (hg19) VCF-style: chr16-67693283-G-T.
Other names: c.453C>A, p.Cys151Ter (NM_001410884.1); c.444C>A, p.Cys148Ter (NM_022914.3); short protein forms C151*, C148*.
Identifiers: ClinVar variation 2027967 (VCV002027967.4), dbSNP rs2543606725, ClinGen allele CA396354761.